The following is an entry in ClinVar:

ClinVar aggregate classification (germline): Uncertain significance. Review status: criteria provided, multiple submitters, no conflicts (2 of 4 stars). 4 submissions from 4 submitters: Uncertain significance (4). Last evaluated 2025-11-19.

Conditions:
Inborn genetic diseases. Identifiers: MedGen C0950123, MeSH D030342.
Polycystic kidney disease, adult type (PKD1). Also called: Polycystic Kidney Disease 1, Autosomal Dominant; Polycystic kidney disease 1; Polycystic kidney disease 1, severe; POLYCYSTIC KIDNEY DISEASE 1 WITH OR WITHOUT POLYCYSTIC LIVER DISEASE; POLYCYSTIC KIDNEY DISEASE, ADULT, TYPE I; Polycystic Kidney, Autosomal Dominant. Identifiers: MedGen C3149841, MONDO:0008263, OMIM 173900.

Allele frequency attached by ClinVar (database versions not stated): ExAC 0.00001; gnomAD exomes 0.00002 and 0.00004; gnomAD 0.00008 and 0.00009; TOPMed 0.00015; 1000 Genomes Project 30x 0.00016; 1000 Genomes Project 0.00020.
gnomAD v4.1: 50 of 1,612,562 alleles (0.0031%); highest among the groups gnomAD compares: Admixed American, 0.033%; no homozygotes.

Submissions (4):

Ambry Genetics
Classification: Uncertain significance for Inborn genetic diseases. Last evaluated: 2025-11-19. Review status: criteria provided, single submitter. Criteria: Ambry Variant Classification Scheme 2023. Collection method: clinical testing. Allele origin: germline.

Women's Health and Genetics/Laboratory Corporation of America, LabCorp
Classification: Uncertain significance. Last evaluated: 2025-02-24. Review status: criteria provided, single submitter. Criteria: LabCorp Variant Classification Summary - May 2015. Collection method: clinical testing. Allele origin: germline.
Comment: Variant summary: PKD1 c.4891C>T (p.Leu1631Phe) results in a non-conservative amino acid change in the encoded protein sequence. Four of five in-silico tools predict a benign effect of the variant on protein function. The variant allele was found at a frequency of 3.6e-05 in 248522 control chromosomes. The available data on variant occurrences in the general population are insufficient to allow any conclusion about variant significance. To our knowledge, no occurrence of c.4891C>T in individuals affected with Polycystic Kidney Disease 1 and no experimental evidence demonstrating its impact on protein function have been reported. ClinVar contains an entry for this variant (Variation ID: 1313396). Based on the evidence outlined above, the variant was classified as uncertain significance.

GeneDx
Classification: Uncertain significance. Last evaluated: 2022-08-03. Review status: criteria provided, single submitter. Criteria: GeneDx Variant Classification Process June 2021. Collection method: clinical testing. Allele origin: germline. Affected: yes.
Comment: In silico analysis supports that this missense variant does not alter protein structure/function; Has not been previously published as pathogenic or benign to our knowledge

Fulgent Genetics
Classification: Uncertain significance for Polycystic kidney disease, adult type. Last evaluated: 2022-03-13. Review status: criteria provided, single submitter. Criteria: ACMG Guidelines, 2015. Collection method: clinical testing. Allele origin: unknown.

NM_001009944.3(PKD1):c.4891C>T (p.Leu1631Phe)

Gene: PKD1 (polycystin 1, transient receptor potential channel interacting; minus strand). Cytogenetic location: 16p13.3.
Variant type: single nucleotide variant.
Coding change: c.4891C>T on transcript NM_001009944.3 (MANE Select); coding-DNA position 4891, C replaced by T.
Protein change: p.Leu1631Phe; replaces leucine 1631 with phenylalanine.
Molecular consequence: missense variant.
Genome position (GRCh38, 1-based): chr16:2,110,276, G>A on the plus strand (C>T on the coding strand, the complement: PKD1 is on the minus strand). VCF-style: chr16-2110276-G-A. GRCh37 (hg19) VCF-style: chr16-2160277-G-A.
Other names: c.4891C>T, p.Leu1631Phe (NM_000296.4); c.4891C>T (NM_000296.3); short protein forms L1631F.
Identifiers: ClinVar variation 1313396 (VCV001313396.7), dbSNP rs543561238, ClinGen allele CA7832203.